The following is an entry in ClinVar:

ClinVar aggregate classification (germline): Uncertain significance. Review status: criteria provided, multiple submitters, no conflicts (2 of 4 stars). 2 submissions from 2 submitters: Uncertain significance (2). Last evaluated 2021-09-20.

Conditions:
Hereditary spastic paraplegia 11. Also called: Nakamura Osame syndrome; Autosomal recessive hereditary spastic paraplegia, mental impairment, and thin corpus callosum; Spastic Paraplegia 11; SPASTIC PARAPLEGIA, AUTOSOMAL RECESSIVE, COMPLICATED, WITH THIN CORPUS CALLOSUM; SPASTIC PARAPLEGIA, AUTOSOMAL RECESSIVE, WITH MENTAL IMPAIRMENT AND THIN CORPUS CALLOSUM; Spastic paraplegia, mental retardation and thin corpus callosum. Identifiers: Orphanet 2822, MedGen C1858479, MONDO:0011445, OMIM 604360.

Allele frequency attached by ClinVar (database versions not stated): gnomAD exomes below 0.00001 and 0.00001; ExAC 0.00002.
gnomAD v4.1: 2 of 1,597,172 alleles (0.00013%); highest among the groups gnomAD compares: Admixed American, 0.0034%; no homozygotes.

Submissions (2):

Revvity Omics, Revvity
Classification: Uncertain significance. Last evaluated: 2021-09-20. Review status: criteria provided, single submitter. Criteria: ACMG Guidelines, 2015. Collection method: clinical testing. Allele origin: germline.

Labcorp Genetics (formerly Invitae), Labcorp
Classification: Uncertain significance for Hereditary spastic paraplegia 11. Last evaluated: 2021-09-09. Review status: criteria provided, single submitter. Criteria: Invitae Variant Classification Sherloc (09022015). Collection method: clinical testing. Allele origin: germline.
Comment: This sequence change replaces leucine with proline at codon 26 of the SPG11 protein (p.Leu26Pro). The leucine residue is moderately conserved and there is a moderate physicochemical difference between leucine and proline. This variant is present in population databases (rs757155556, ExAC 0.02%). This variant has not been reported in the literature in individuals affected with SPG11-related conditions. Algorithms developed to predict the effect of missense changes on protein structure and function are either unavailable or do not agree on the potential impact of this missense change (SIFT: "Deleterious"; PolyPhen-2: "Probably Damaging"; Align-GVGD: "Class C0"). In summary, the available evidence is currently insufficient to determine the role of this variant in disease. Therefore, it has been classified as a Variant of Uncertain Significance.

NM_025137.4(SPG11):c.77T>C (p.Leu26Pro)

Gene: SPG11 (SPG11 vesicle trafficking associated, spatacsin; minus strand). Cytogenetic location: 15q21.1.
Variant type: single nucleotide variant.
Coding change: c.77T>C on transcript NM_025137.4 (MANE Select); coding-DNA position 77, T replaced by C.
Protein change: p.Leu26Pro; replaces leucine 26 with proline.
Molecular consequence: missense variant.
Genome position (GRCh38, 1-based): chr15:44,663,571, A>G on the plus strand (T>C on the coding strand, the complement: SPG11 is on the minus strand). VCF-style: chr15-44663571-A-G. GRCh37 (hg19) VCF-style: chr15-44955769-A-G.
Other names: c.77T>C, p.Leu26Pro (NM_001160227.2); short protein forms L26P.
Identifiers: ClinVar variation 1398883 (VCV001398883.5), dbSNP rs757155556, ClinGen allele CA7535955.